The following is an entry in ClinVar:

ClinVar aggregate classification (germline): Benign/Likely benign. Review status: criteria provided, multiple submitters, no conflicts (2 of 4 stars). 5 submissions from 5 submitters: Benign (4); Likely benign (1). Last evaluated 2026-02-04.

Submissions (5):

Labcorp Genetics (formerly Invitae), Labcorp
Classification: Benign. Last evaluated: 2026-02-04. Review status: criteria provided, single submitter. Criteria: Invitae Variant Classification Sherloc (09022015). Collection method: clinical testing. Allele origin: germline.

Blueprint Genetics
Classification: Likely benign. Last evaluated: 2024-11-27. Review status: criteria provided, single submitter. Criteria: ACMG Guidelines, 2015. Collection method: clinical testing. Allele origin: germline.

Unidad de Genómica Garrahan, Hospital de Pediatría Garrahan
Classification: Benign. Last evaluated: 2024-07-31. Review status: criteria provided, single submitter. Criteria: ACMG Guidelines, 2015. Collection method: clinical testing. Allele origin: germline. Affected: no. Observed: 23 variant alleles.
Comment: This variant is classified as Benign based on local population frequency. This variant was detected in 25% of patients studied in a panel designed for Epileptic and Developmental Encephalopathy, Progressive Myoclonus Epilepsy and Abnormal Movements and Neurodegeneration with brain iron accumulation. Number of patients: 23. Only high quality variants are reported.

Mayo Clinic Laboratories, Mayo Clinic
Classification: Benign. Last evaluated: 2022-03-24. Review status: criteria provided, single submitter. Criteria: ACMG Guidelines, 2015. Collection method: clinical testing. Allele origin: germline. Observed: 213 variant alleles.

GeneDx
Classification: Benign. Last evaluated: 2020-06-29. Review status: criteria provided, single submitter. Criteria: GeneDx Variant Classification Process June 2021. Collection method: clinical testing. Allele origin: germline. Affected: yes.

NM_001128431.4(SLC39A14):c.8TGC[2] (p.Leu5_Leu6del)

Gene: SLC39A14 (solute carrier family 39 member 14; plus strand). Cytogenetic location: 8p21.3.
Variant type: Microsatellite.
Coding change: c.8TGC[2] on transcript NM_001128431.4 (MANE Select); two copies in a row of the 3-base unit TGC starting at c.8; the reference has four copies in a row; two copies, 6 bases deleted; also written c.14_19del.
Protein change: p.Leu5_Leu6del.
Molecular consequence: inframe deletion.
Genome position (GRCh38, 1-based): chr8:22,404,724-22,404,729, TGCTGC deleted; deleting any 6 consecutive bases within chr8:22,404,716-22,404,729 gives the same sequence; the position shown is the placement nearest the transcript's 3' end. VCF-style (leftmost placement, unchanged base first): chr8-22404715-AGCTGCT-A. GRCh37 (hg19) VCF-style: chr8-22262228-AGCTGCT-A.
Other names: p.Leu5_Leu6del; c.14_19del (NM_001128431.2, NM_015359.6); c.8TGC[2], p.Leu5_Leu6del (NM_001135153.3, NM_001135154.3, NM_001351655.2 and 3 more transcripts); c.38TGC[2], p.Leu15_Leu16del (NM_001351657.2, NM_001351658.2, NM_001351659.2).
Identifiers: ClinVar variation 768230 (VCV000768230.14), dbSNP rs3052256, ClinGen allele CA4667201.